The following is an entry in ClinVar:

ClinVar aggregate classification (germline): Uncertain significance (1 of 4 stars; one submission).

Conditions:
Leber congenital amaurosis 13 (LCA13). Identifiers: MedGen C2675186, MONDO:0012990, OMIM 612712.

Submission:

Labcorp Genetics (formerly Invitae), Labcorp
Classification: Uncertain significance for Leber congenital amaurosis 13. Last evaluated: 2020-06-24. Review status: criteria provided, single submitter. Criteria: Invitae Variant Classification Sherloc (09022015). Collection method: clinical testing. Allele origin: germline.
Comment: This sequence change falls in intron 8 of the RDH12 gene. It does not directly change the encoded amino acid sequence of the RDH12 protein, but it affects a nucleotide within the consensus splice site of the intron. This variant is not present in population databases (ExAC no frequency). This variant has not been reported in the literature in individuals with RDH12-related conditions. Nucleotide substitutions within the consensus splice site are a relatively common cause of aberrant splicing (PMID: 17576681, 9536098). Algorithms developed to predict the effect of sequence changes on RNA splicing suggest that this variant may create or strengthen a splice site, but this prediction has not been confirmed by published transcriptional studies. In summary, the available evidence is currently insufficient to determine the role of this variant in disease. Therefore, it has been classified as a Variant of Uncertain Significance.

Literature cited by the submitters: PubMed 17576681; PubMed 9536098.

NM_152443.3(RDH12):c.848+3G>A

Genes: ZFYVE26 (zinc finger FYVE-type containing 26; minus strand), RDH12 (retinol dehydrogenase 12; plus strand), GPHN (gephyrin; plus strand). Cytogenetic location: 14q24.1.
Variant type: single nucleotide variant.
Coding change: c.848+3G>A on transcript NM_152443.3 (MANE Select); 3 bases into the intron after coding-DNA position 848, G replaced by A.
Molecular consequence: intron variant.
Genome position (GRCh38, 1-based): chr14:67,729,383, G>A. VCF-style: chr14-67729383-G-A. GRCh37 (hg19) VCF-style: chr14-68196100-G-A.
Identifiers: ClinVar variation 1021869 (VCV001021869.4), dbSNP rs2038237483, ClinGen allele CA486772204.